The following is an entry in ClinVar:

NM_004364.5(CEBPA):c.376G>C (p.Gly126Arg)

Gene: CEBPA (CCAAT enhancer binding protein alpha; minus strand). Cytogenetic location: 19q13.11.
Variant type: single nucleotide variant.
Coding change: c.376G>C on transcript NM_004364.5 (MANE Select); coding-DNA position 376, G replaced by C.
Protein change: p.Gly126Arg; replaces glycine 126 with arginine.
Molecular consequence: missense variant.
Genome position (GRCh38, 1-based): chr19:33,302,039, C>G on the plus strand (G>C on the coding strand, the complement: CEBPA is on the minus strand). VCF-style: chr19-33302039-C-G. GRCh37 (hg19) VCF-style: chr19-33792945-C-G.
Other names: c.19G>C, p.Gly7Arg (NM_001285829.2); c.481G>C, p.Gly161Arg (NM_001287424.2); c.334G>C, p.Gly112Arg (NM_001287435.2); short protein forms G161R, G112R, G126R, G7R.
Identifiers: ClinVar variation 5034307 (VCV005034307.1).

ClinVar aggregate classification (germline): Uncertain significance (1 of 4 stars; one submission).

Conditions:
Inborn genetic diseases. Identifiers: MedGen C0950123, MeSH D030342.

Submission:

Ambry Genetics
Classification: Uncertain significance for Inborn genetic diseases. Last evaluated: 2026-08-11. Review status: criteria provided, single submitter. Criteria: Ambry Variant Classification Scheme 2023. Collection method: clinical testing. Allele origin: germline.
Comment: The p.G126R variant (also known as c.376G>C), located in coding exon 1 of the CEBPA gene, results from a G to C substitution at nucleotide position 376. The glycine at codon 126 is replaced by arginine, an amino acid with dissimilar properties. This amino acid position is conserved. In addition, this alteration is predicted to be tolerated by in silico analysis. Based on the available evidence, the clinical significance of this variant remains unclear.